The following is an entry in ClinVar:

NM_000821.7(GGCX):c.610C>T (p.Arg204Cys)

Gene: GGCX (gamma-glutamyl carboxylase; minus strand). Cytogenetic location: 2p11.2.
Variant type: single nucleotide variant.
Coding change: c.610C>T on transcript NM_000821.7 (MANE Select); coding-DNA position 610, C replaced by T.
Protein change: p.Arg204Cys; replaces arginine 204 with cysteine.
Molecular consequence: missense variant.
Genome position (GRCh38, 1-based): chr2:85,556,190, G>A on the plus strand (C>T on the coding strand, the complement: GGCX is on the minus strand). VCF-style: chr2-85556190-G-A. GRCh37 (hg19) VCF-style: chr2-85783313-G-A.
Other names: c.439C>T, p.Arg147Cys (NM_001142269.4); c.610C>T (NM_000821.5); short protein forms R147C, R204C.
Identifiers: ClinVar variation 3779694 (VCV003779694.2).

ClinVar aggregate classification (germline): Likely pathogenic. Review status: criteria provided, multiple submitters, no conflicts (2 of 4 stars). 2 submissions from 2 submitters: Likely pathogenic (2). Last evaluated 2025-06-16.

Conditions:
Body skin hyperlaxity due to vitamin K-dependent coagulation factor deficiency (PXECD). Also called: PSEUDOXANTHOMA ELASTICUM-LIKE DISORDER WITH MULTIPLE COAGULATION FACTOR DEFICIENCY; PXE-LIKE DISORDER WITH MULTIPLE COAGULATION FACTOR DEFICIENCY; PXE-like disorder. Identifiers: Orphanet 91135, MedGen C1835813, MONDO:0012570, OMIM 610842.
Vitamin K-dependent clotting factors, combined deficiency of, type 1. Also called: FACTORS II, VII, IX, AND X, COMBINED DEFICIENCY OF; FAMILIAL MULTIPLE COAGULATION FACTOR DEFICIENCY III; FMFD III; GLUTAMIC ACID, DEFICIENT GAMMA-CARBOXYLATION OF; MULTIPLE COAGULATION FACTOR DEFICIENCY III; VITAMIN K-DEPENDENT COAGULATION DEFECT. Identifiers: Orphanet 98434, MedGen C1848534, MONDO:0010187, OMIM 277450.

gnomAD v4.1: 3 of 1,606,342 alleles (0.00019%); highest among the groups gnomAD compares: African/African-American, 0.0013%; no homozygotes.

Submissions (2):

GeneDx
Classification: Likely pathogenic. Last evaluated: 2025-06-16. Review status: criteria provided, single submitter. Criteria: GeneDx Variant Classification Process June 2021. Collection method: clinical testing. Allele origin: germline. Affected: yes.
Comment: Published functional studies suggest a damaging effect, showing gamma-carboxylation for MGP of 55% (PMID: 34816548); Not observed at significant frequency in large population cohorts (gnomAD); In silico analysis is inconclusive as to whether the variant alters gene splicing. In the absence of RNA/functional studies, the actual effect of this sequence change is unknown.; In silico analysis supports that this missense variant has a deleterious effect on protein structure/function; This variant is associated with the following publications: (PMID: 33507293, 34816548, 25151188)

Department of Pathology and Laboratory Medicine, Sinai Health System
Classification: Likely pathogenic for Body skin hyperlaxity due to vitamin K-dependent coagulation factor deficiency; Vitamin K-dependent clotting factors, combined deficiency of, type 1. Last evaluated: 2023-12-14. Review status: criteria provided, single submitter. Criteria: ACMG Guidelines, 2015. Collection method: research. Allele origin: germline.